The following is an entry in ClinVar:

NM_015355.4(SUZ12):c.698C>G (p.Ser233Cys)

Gene: SUZ12 (SUZ12 polycomb repressive complex 2 subunit; plus strand). Cytogenetic location: 17q11.2.
Variant type: single nucleotide variant.
Coding change: c.698C>G on transcript NM_015355.4 (MANE Select); coding-DNA position 698, C replaced by G.
Protein change: p.Ser233Cys; replaces serine 233 with cysteine.
Molecular consequence: missense variant.
Genome position (GRCh38, 1-based): chr17:31,975,588, C>G. VCF-style: chr17-31975588-C-G. GRCh37 (hg19) VCF-style: chr17-30302607-C-G.
Other names: c.629C>G, p.Ser210Cys (NM_001321207.2); short protein forms S210C, S233C.
Identifiers: ClinVar variation 1312230 (VCV001312230.3), dbSNP rs2142178511, ClinGen allele CA399024982.
Genomic context (GRCh38, chr17:31,975,588, plus strand): 5'-TGCCTTTGAATCCTGACCTCAATCAAACAAAACCCGGAAATTTCCCGTCCCTTGCAGTTT[C>G]CAGTAATGAATTTGAACCTAGTAACAGCCATATGGTGAAGTCTTACTCGTTGCTATTTAG-3'
Protein context (NP_056170.2, residues 223-243): KPGNFPSLAV[Ser233Cys]SNEFEPSNSH

ClinVar aggregate classification (germline): Uncertain significance (1 of 4 stars; one submission).

Submission:

GeneDx
Classification: Uncertain significance. Last evaluated: 2023-06-11. Review status: criteria provided, single submitter. Criteria: GeneDx Variant Classification Process June 2021. Collection method: clinical testing. Allele origin: germline. Affected: yes.
Comment: Not observed at significant frequency in large population cohorts (gnomAD); In silico analysis supports that this missense variant has a deleterious effect on protein structure/function; Has not been previously published as pathogenic or benign to our knowledge